The following is an entry in ClinVar:

ClinVar aggregate classification (germline): Likely pathogenic (1 of 4 stars; one submission).

Conditions:
EPB42-related disorder. Also called: EPB42-related condition.

Submission:

PreventionGenetics, part of Exact Sciences
Classification: Likely pathogenic for EPB42-related condition. Last evaluated: 2024-11-20. Review status: criteria provided, single submitter. Criteria: ACMG Guidelines, 2015. Collection method: clinical testing. Allele origin: germline.
Comment: The EPB42 c.1772delT variant is predicted to result in a frameshift and premature protein termination (p.Phe591Serfs*54). To our knowledge, this variant has not been reported in the literature in individuals with spherocytosis. This variant is reported in 0.0054% of alleles in individuals of East Asian descent in gnomAD. Frameshift variants in EPB42 are expected to be pathogenic. This variant is interpreted as likely pathogenic.

NM_001114134.2(EPB42):c.1682del (p.Phe561fs)

Gene: EPB42 (erythrocyte membrane protein band 4.2; minus strand). Cytogenetic location: 15q15.2.
Variant type: Deletion.
Coding change: c.1682del on transcript NM_001114134.2 (MANE Select); coding-DNA position 1682, one base deleted (T; older notation c.1682delT).
Protein change: p.Phe561fs; shifts the reading frame from phenylalanine 561.
Molecular consequence: frameshift variant.
Genome position (GRCh38, 1-based): chr15:43,203,212, A deleted on the plus strand (T on the coding strand, the reverse complement: EPB42 is on the minus strand); the first of 2 consecutive A bases (chr15:43,203,212-43,203,213); deleting either gives the same sequence. VCF-style (leftmost placement, unchanged base first): chr15-43203211-GA-G. GRCh37 (hg19) VCF-style: chr15-43495409-GA-G.
Other names: c.1772del, p.Phe591fs (NM_000119.3); short protein forms F591fs, F561fs.
Identifiers: ClinVar variation 4987847 (VCV004987847.1), dbSNP rs775832353.